The following is an entry in ClinVar:

NC_000001.10:g.(?_235634154)_(235647841_?)dup

Gene: B3GALNT2 (beta-1,3-N-acetylgalactosaminyltransferase 2; minus strand). Cytogenetic location: 1q42.3.
Variant type: Duplication.
Identifiers: ClinVar variation 1066023 (VCV001066023.7).

ClinVar aggregate classification (germline): Likely pathogenic (1 of 4 stars; one submission).

Conditions:
Muscular dystrophy-dystroglycanopathy (congenital with brain and eye anomalies), type a, 11 (MDDGA11). Also called: WALKER-WARBURG SYNDROME OR MUSCLE-EYE-BRAIN DISEASE, B3GALNT2-RELATED; Congenital muscular dystrophy-dystroglycanopathy with brain and eye anomalies, type A11; Muscular dystrophy-dystroglycanopathy (congenital with brain and eye anomalies, type A, 11. Identifiers: Orphanet 588, Orphanet 899, MedGen C3554638, MONDO:0014071, OMIM 615181.

Submission:

Labcorp Genetics (formerly Invitae), Labcorp
Classification: Likely pathogenic for Muscular dystrophy-dystroglycanopathy (congenital with brain and eye anomalies), type a, 11. Last evaluated: 2022-10-25. Review status: criteria provided, single submitter. Criteria: Invitae Variant Classification Sherloc (09022015). Collection method: clinical testing. Allele origin: germline.
Comment: In summary, the currently available evidence indicates that the variant is pathogenic, but additional data are needed to prove that conclusively. Therefore, this variant has been classified as Likely Pathogenic. This variant has not been reported in the literature in individuals affected with B3GALNT2-related conditions. This variant results in a copy number gain of the genomic region encompassing exon(s) 4-6 of the B3GALNT2 gene. While the exact position of this variant cannot be determined from the data, sub-genic copy number gains are generally in tandem (PMID: 25640679). This variant is predicted to be out-of-frame, and may result in an absent or disrupted protein product. Loss-of-function variants in B3GALNT2 are known to be pathogenic (PMID: 23453667).

Literature cited by the submitters: PubMed 25640679; PubMed 23453667.